The following is an entry in ClinVar:

ClinVar aggregate classification (germline): Uncertain significance (1 of 4 stars; one submission).

Conditions:
Inborn genetic diseases. Identifiers: MedGen C0950123, MeSH D030342.

Submission:

Ambry Genetics
Classification: Uncertain significance for Inborn genetic diseases. Last evaluated: 2025-12-02. Review status: criteria provided, single submitter. Criteria: Ambry Variant Classification Scheme 2023. Collection method: clinical testing. Allele origin: germline.
Comment: The c.256C>T (p.R86W) alteration is located in exon 3 (coding exon 2) of the SPTBN1 gene. This alteration results from a C to T substitution at nucleotide position 256, causing the arginine (R) at amino acid position 86 to be replaced by a tryptophan (W). Based on data from gnomAD, the T allele has an overall frequency of <0.001% (1/251450) total alleles studied. The highest observed frequency was 0.006% (1/16256) of African alleles. Based on insufficient or conflicting evidence, the clinical significance of this alteration remains unclear.

NM_003128.3(SPTBN1):c.256C>T (p.Arg86Trp)

Gene: SPTBN1 (spectrin beta, non-erythrocytic 1; plus strand). Cytogenetic location: 2p16.2.
Variant type: single nucleotide variant.
Coding change: c.256C>T on transcript NM_003128.3 (MANE Select); coding-DNA position 256, C replaced by T.
Protein change: p.Arg86Trp; replaces arginine 86 with tryptophan.
Molecular consequence: missense variant.
Genome position (GRCh38, 1-based): chr2:54,599,199, C>T. VCF-style: chr2-54599199-C-T. GRCh37 (hg19) VCF-style: chr2-54826336-C-T.
Other names: c.217C>T, p.Arg73Trp (NM_178313.3); short protein forms R86W, R73W.
Identifiers: ClinVar variation 4632131 (VCV004632131.1).